The following is an entry in ClinVar:

ClinVar aggregate classification (germline): Uncertain significance. Review status: criteria provided, multiple submitters, no conflicts (2 of 4 stars). 2 submissions from 2 submitters: Uncertain significance (2). Last evaluated 2025-09-05.

Conditions:
SIX5-related disorder. Also called: SIX5-related condition.
Branchiootorenal syndrome 2 (BOR2). Identifiers: Orphanet 107, MedGen C1970479, MONDO:0012575, OMIM 610896.

Submissions (2):

PreventionGenetics, part of Exact Sciences
Classification: Uncertain significance for SIX5-related condition. Last evaluated: 2025-09-05. Review status: criteria provided, single submitter. Criteria: ACMG Guidelines, 2015. Collection method: clinical testing. Allele origin: germline.
Comment: The SIX5 c.1033A>G variant is predicted to result in the amino acid substitution p.Ile345Val. To our knowledge, this variant has not been reported in the literature or in a large population database (gnomAD), indicating this variant is rare. At this time, the clinical significance of this variant is uncertain due to the absence of conclusive functional and genetic evidence.

Fulgent Genetics
Classification: Uncertain significance for Branchiootorenal syndrome 2. Last evaluated: 2024-06-11. Review status: criteria provided, single submitter. Criteria: ACMG Guidelines, 2015. Collection method: clinical testing. Allele origin: germline.

NM_175875.5(SIX5):c.1033A>G (p.Ile345Val)

Genes: SIX5 (SIX homeobox 5; minus strand), LOC107075317 (origin of replication in DMPK trinucleotide repeat region; plus strand). Cytogenetic location: 19q13.32.
Variant type: single nucleotide variant.
Coding change: c.1033A>G on transcript NM_175875.5 (MANE Select); coding-DNA position 1033, A replaced by G.
Protein change: p.Ile345Val; replaces isoleucine 345 with valine.
Molecular consequence: missense variant.
Genome position (GRCh38, 1-based): chr19:45,766,926, T>C on the plus strand (A>G on the coding strand, the complement: SIX5 is on the minus strand). VCF-style: chr19-45766926-T-C. GRCh37 (hg19) VCF-style: chr19-46270184-T-C.
Other names: c.1033A>G (NM_175875.4); short protein forms I345V.
Identifiers: ClinVar variation 3584001 (VCV003584001.2).